The following is an entry in ClinVar:

NM_021927.3(GUF1):c.1480-3T>G

Gene: GUF1 (GTP binding elongation factor GUF1; plus strand). Cytogenetic location: 4p12.
Variant type: single nucleotide variant.
Coding change: c.1480-3T>G on transcript NM_021927.3 (MANE Select); 3 bases into the intron before coding-DNA position 1480, T replaced by G.
Molecular consequence: intron variant.
Genome position (GRCh38, 1-based): chr4:44,691,663, T>G. VCF-style: chr4-44691663-T-G. GRCh37 (hg19) VCF-style: chr4-44693680-T-G.
Other names: c.1480-3T>G (NM_001345868.2); c.508-3T>G (NM_001345867.2, NM_001345869.2).
Identifiers: ClinVar variation 4772790 (VCV004772790.1).

ClinVar aggregate classification (germline): Uncertain significance (1 of 4 stars; one submission).

Submission:

Labcorp Genetics (formerly Invitae), Labcorp
Classification: Uncertain significance. Last evaluated: 2025-07-06. Review status: criteria provided, single submitter. Criteria: Invitae Variant Classification Sherloc (09022015). Collection method: clinical testing. Allele origin: germline.
Comment: This sequence change falls in intron 12 of the GUF1 gene. It does not directly change the encoded amino acid sequence of the GUF1 protein. It affects a nucleotide within the consensus splice site. This variant is not present in population databases (gnomAD no frequency). This variant has not been reported in the literature in individuals affected with GUF1-related conditions. Variants that disrupt the consensus splice site are a relatively common cause of aberrant splicing (PMID: 17576681, 9536098). Algorithms developed to predict the effect of sequence changes on RNA splicing suggest that this variant may disrupt the consensus splice site. In summary, the available evidence is currently insufficient to determine the role of this variant in disease. Therefore, it has been classified as a Variant of Uncertain Significance.

Literature cited by the submitters: PubMed 17576681; PubMed 9536098.